The following is an entry in ClinVar:

ClinVar aggregate classification (germline): Uncertain significance (1 of 4 stars; one submission).

Conditions:
CEP290-related ciliopathy. Also called: CEP290 ciliopathy. Identifiers: MedGen CN305601, MONDO:0100451.

Submission:

Myriad Genetics, Inc.
Classification: Uncertain significance for CEP290-related ciliopathy. Last evaluated: 2026-05-15. Review status: criteria provided, single submitter. Criteria: Myriad Autosomal Dominant, Autosomal Recessive and X-Linked Classification Criteria (2023). Collection method: clinical testing. Allele origin: unknown.
Comment: NM_025114.3(CEP290):c.5160_5162delAAC(T1722del) is an in-frame deletion classified as a variant of uncertain significance in the context of CEP290-related disorders. T1722del has not been observed in cases with relevant disease. Relevant functional assessments of this variant are not available in the literature. T1722del has not been observed in referenced population frequency databases. In summary, there is insufficient evidence to classify NM_025114.3(CEP290):c.5160_5162delAAC(T1722del) as pathogenic or benign. Please note: this variant was assessed in the context of healthy population screening.

NM_025114.4(CEP290):c.5157AAC[1] (p.Thr1722del)

Gene: CEP290 (centrosomal protein 290; minus strand). Cytogenetic location: 12q21.32.
Variant type: Microsatellite.
Coding change: c.5157AAC[1] on transcript NM_025114.4 (MANE Select); one copy of the 3-base unit AAC starting at c.5157; the reference has two copies in a row; one copy, 3 bases deleted.
Protein change: p.Thr1722del; deletes threonine 1722.
Molecular consequence: inframe deletion.
Genome position (GRCh38, 1-based): chr12:88,080,246-88,080,248, GTT deleted on the plus strand (AAC on the coding strand, the reverse complement: CEP290 is on the minus strand); deleting any 3 consecutive bases within chr12:88,080,246-88,080,252 gives the same sequence; the position shown is the placement nearest the transcript's 3' end. VCF-style (leftmost placement, unchanged base first): chr12-88080245-AGTT-A. GRCh37 (hg19) VCF-style: chr12-88474022-AGTT-A.
Other names: short protein forms T1722del.
Identifiers: ClinVar variation 5004679 (VCV005004679.1).